The following is an entry in ClinVar:

ClinVar aggregate classification (germline): Benign/Likely benign. Review status: criteria provided, multiple submitters, no conflicts (2 of 4 stars). 3 submissions from 3 submitters: Benign (1); Likely benign (2). Last evaluated 2024-08-07.

Conditions:
Hereditary cancer-predisposing syndrome. Also called: Neoplastic Syndromes, Hereditary; Hereditary Cancer Syndrome; Tumor predisposition; Hereditary neoplastic syndrome. Identifiers: Orphanet 140162, MedGen C0027672, MeSH D009386, MONDO:0015356.
Juvenile polyposis syndrome (JPS). Identifiers: Orphanet 2929, MedGen C0345893, MONDO:0017380, OMIM 174900.

Allele frequency attached by ClinVar (database versions not stated): gnomAD exomes below 0.00001; ExAC 0.00001.
gnomAD v4.1: 1 of 1,614,130 alleles (0.000062%); highest among the groups gnomAD compares: Non-Finnish European, 0.000085%; no homozygotes.

Submissions (3):

Myriad Genetics, Inc.
Classification: Benign for Juvenile polyposis syndrome. Last evaluated: 2024-08-07. Review status: criteria provided, single submitter. Criteria: Myriad Autosomal Dominant, Autosomal Recessive and X-Linked Classification Criteria (2023). Collection method: clinical testing. Allele origin: unknown.
Comment: This variant is considered benign. This variant is a silent/synonymous amino acid change and it is not expected to impact splicing.

Labcorp Genetics (formerly Invitae), Labcorp
Classification: Likely benign for Juvenile polyposis syndrome. Last evaluated: 2023-05-25. Review status: criteria provided, single submitter. Criteria: Invitae Variant Classification Sherloc (09022015). Collection method: clinical testing. Allele origin: germline.

Ambry Genetics
Classification: Likely benign for Hereditary cancer-predisposing syndrome. Last evaluated: 2022-09-13. Review status: criteria provided, single submitter. Criteria: Ambry Variant Classification Scheme 2023. Collection method: clinical testing. Allele origin: germline.

NM_004329.3(BMPR1A):c.1365G>A (p.Leu455=)

Gene: BMPR1A (bone morphogenetic protein receptor type 1A; plus strand). Cytogenetic location: 10q23.2.
Variant type: single nucleotide variant.
Coding change: c.1365G>A on transcript NM_004329.3 (MANE Select); coding-DNA position 1365, G replaced by A.
Protein change: p.Leu455=; no amino-acid change (leucine 455 retained).
Molecular consequence: synonymous variant.
Genome position (GRCh38, 1-based): chr10:86,923,398, G>A. VCF-style: chr10-86923398-G-A. GRCh37 (hg19) VCF-style: chr10-88683155-G-A.
Identifiers: ClinVar variation 799928 (VCV000799928.14), dbSNP rs753694209, ClinGen allele CA5585706.